The following is an entry in ClinVar:

NM_021615.5(CHST6):c.329A>G (p.Tyr110Cys)

Gene: CHST6 (carbohydrate sulfotransferase 6; minus strand). Cytogenetic location: 16q23.1.
Variant type: single nucleotide variant.
Coding change: c.329A>G on transcript NM_021615.5 (MANE Select); coding-DNA position 329, A replaced by G.
Protein change: p.Tyr110Cys; replaces tyrosine 110 with cysteine.
Molecular consequence: missense variant.
Genome position (GRCh38, 1-based): chr16:75,479,500, T>C on the plus strand (A>G on the coding strand, the complement: CHST6 is on the minus strand). VCF-style: chr16-75479500-T-C. GRCh37 (hg19) VCF-style: chr16-75513398-T-C.
Other names: short protein forms Y110C.
Identifiers: ClinVar variation 5077 (VCV000005077.2), dbSNP rs72547544, ClinGen allele CA250521.
Genomic context (GRCh38, chr16:75,479,500, plus strand): 5'-CACAGTGCACGGCTCACGGCCCACTGGAAGAGGTCGGACAGGTTGCGGCGCCAAGGCAGA[T>C]AGGCATCAAACACGTCCATGTCGCACAGGAAGACGGAGCGCACCAGGTCGCGCACAGCCA-3'
Protein context (NP_067628.1, residues 100-120): FLCDMDVFDA[Tyr110Cys]LPWRRNLSDL

ClinVar aggregate classification (germline): Pathogenic. Review status: criteria provided, single submitter (1 of 4 stars). 2 submissions from 2 submitters: Pathogenic (1). 1 of the submissions does not count toward it. Last evaluated 2026-01-16.

Conditions:
Macular corneal dystrophy (MCD). Also called: GROENOUW TYPE II CORNEAL DYSTROPHY; Macular corneal dystrophy Type I. Identifiers: Orphanet 98969, MedGen C1636149, MONDO:0009020, OMIM 217800.

Allele frequency attached by ClinVar (database versions not stated): gnomAD exomes below 0.00001; gnomAD 0.00001.
gnomAD v4.1: 8 of 1,612,630 alleles (0.0005%); highest among the groups gnomAD compares: Admixed American, 0.0017%; no homozygotes.

Submissions (2):

Labcorp Genetics (formerly Invitae), Labcorp
Classification: Pathogenic for Macular corneal dystrophy. Last evaluated: 2026-01-16. Review status: criteria provided, single submitter. Criteria: Invitae Variant Classification Sherloc (09022015). Collection method: clinical testing. Allele origin: germline.
Comment: This sequence change replaces tyrosine, which is neutral and polar, with cysteine, which is neutral and slightly polar, at codon 110 of the CHST6 protein (p.Tyr110Cys). This variant is present in population databases (rs72547544, gnomAD 0.0009%). This missense change has been observed in individual(s) with macular corneal dystrophy (PMID: 15013869, 24926691, 32472422). In at least one individual the data is consistent with being in trans (on the opposite chromosome) from a pathogenic variant. ClinVar contains an entry for this variant (Variation ID: 5077). Invitae Evidence Modeling of protein sequence and biophysical properties (such as structural, functional, and spatial information, amino acid conservation, physicochemical variation, residue mobility, and thermodynamic stability) indicates that this missense variant is expected to disrupt CHST6 protein function with a positive predictive value of 80%. For these reasons, this variant has been classified as Pathogenic.

OMIM
Classification: Pathogenic for MACULAR CORNEAL DYSTROPHY, TYPE I. Last evaluated: 2004-03-01. Review status: no assertion criteria provided. Collection method: literature only. Allele origin: germline. Not counted in ClinVar's aggregate classification.

Literature cited by the submitters: PubMed 15013869 (cited by Labcorp Genetics (formerly Invitae), Labcorp and OMIM); PubMed 24926691 (cited by Labcorp Genetics (formerly Invitae), Labcorp); PubMed 32472422 (cited by Labcorp Genetics (formerly Invitae), Labcorp).